The following is an entry in ClinVar:

ClinVar aggregate classification (germline): Uncertain significance (1 of 4 stars; one submission).

Submission:

Labcorp Genetics (formerly Invitae), Labcorp
Classification: Uncertain significance. Last evaluated: 2022-04-13. Review status: criteria provided, single submitter. Criteria: Invitae Variant Classification Sherloc (09022015). Collection method: clinical testing. Allele origin: germline.
Comment: This sequence change replaces threonine, which is neutral and polar, with asparagine, which is neutral and polar, at codon 339 of the C2 protein (p.Thr339Asn). This variant is not present in population databases (gnomAD no frequency). This variant has not been reported in the literature in individuals affected with C2-related conditions. Algorithms developed to predict the effect of missense changes on protein structure and function are either unavailable or do not agree on the potential impact of this missense change (SIFT: "Tolerated"; PolyPhen-2: "Possibly Damaging"; Align-GVGD: "Class C0"). In summary, the available evidence is currently insufficient to determine the role of this variant in disease. Therefore, it has been classified as a Variant of Uncertain Significance.

NM_000063.6(C2):c.1016C>A (p.Thr339Asn)

Genes: C2 (complement C2; plus strand), C2-AS1 (C2 antisense RNA 1; minus strand). Cytogenetic location: 6p21.33.
Variant type: single nucleotide variant.
Coding change: c.1016C>A on transcript NM_000063.6 (MANE Select); coding-DNA position 1016, C replaced by A.
Protein change: p.Thr339Asn; replaces threonine 339 with asparagine.
Molecular consequence: missense variant.
Genome position (GRCh38, 1-based): chr6:31,937,346, C>A. VCF-style: chr6-31937346-C-A. GRCh37 (hg19) VCF-style: chr6-31905123-C-A.
Other names: c.620C>A, p.Thr207Asn (NM_001145903.3); c.374C>A, p.Thr125Asn (NM_001178063.3); c.278C>A, p.Thr93Asn (NM_001282457.2); c.929C>A, p.Thr310Asn (NM_001282458.2); short protein forms T207N, T125N, T310N, T339N, T93N.
Identifiers: ClinVar variation 2125804 (VCV002125804.1), dbSNP rs2482563298, ClinGen allele CA363370921.